The following is an entry in ClinVar:

NM_005458.8(GABBR2):c.2122G>T (p.Ala708Ser)

Gene: GABBR2 (gamma-aminobutyric acid type B receptor subunit 2; minus strand). Cytogenetic location: 9q22.33.
Variant type: single nucleotide variant.
Coding change: c.2122G>T on transcript NM_005458.8 (MANE Select); coding-DNA position 2122, G replaced by T.
Protein change: p.Ala708Ser; replaces alanine 708 with serine.
Molecular consequence: missense variant.
Genome position (GRCh38, 1-based): chr9:98,306,228, C>A on the plus strand (G>T on the coding strand, the complement: GABBR2 is on the minus strand). VCF-style: chr9-98306228-C-A. GRCh37 (hg19) VCF-style: chr9-101068510-C-A.
Other names: c.2122G>T (NM_005458.7); short protein forms A708S.
Identifiers: ClinVar variation 2904291 (VCV002904291.4), dbSNP rs267602049, ClinGen allele CA374199558.

ClinVar aggregate classification (germline): Uncertain significance. Review status: criteria provided, multiple submitters, no conflicts (2 of 4 stars). 2 submissions from 2 submitters: Uncertain significance (2). Last evaluated 2025-02-22.

Conditions:
Epileptic encephalopathy. Identifiers: MedGen C0543888, HP:0200134.
Inborn genetic diseases. Identifiers: MedGen C0950123, MeSH D030342.

Allele frequency attached by ClinVar (database versions not stated): gnomAD 0.00001.
gnomAD v4.1: 34 of 1,613,920 alleles (0.0021%); highest among the groups gnomAD compares: Non-Finnish European, 0.0028%; no homozygotes.

Submissions (2):

Ambry Genetics
Classification: Uncertain significance for Inborn genetic diseases. Last evaluated: 2025-02-22. Review status: criteria provided, single submitter. Criteria: Ambry Variant Classification Scheme 2023. Collection method: clinical testing. Allele origin: germline.

Labcorp Genetics (formerly Invitae), Labcorp
Classification: Uncertain significance for Epileptic encephalopathy. Last evaluated: 2023-06-24. Review status: criteria provided, single submitter. Criteria: Invitae Variant Classification Sherloc (09022015). Collection method: clinical testing. Allele origin: germline.
Comment: Advanced modeling of protein sequence and biophysical properties (such as structural, functional, and spatial information, amino acid conservation, physicochemical variation, residue mobility, and thermodynamic stability) performed at Invitae indicates that this missense variant is not expected to disrupt GABBR2 protein function. In summary, the available evidence is currently insufficient to determine the role of this variant in disease. Therefore, it has been classified as a Variant of Uncertain Significance. This variant has not been reported in the literature in individuals affected with GABBR2-related conditions. This sequence change replaces alanine, which is neutral and non-polar, with serine, which is neutral and polar, at codon 708 of the GABBR2 protein (p.Ala708Ser). This variant is present in population databases (no rsID available, gnomAD 0.0009%).